The following is an entry in ClinVar:

NM_001256012.3(MYH10):c.2679G>A (p.Leu893=)

Genes: MYH10 (myosin heavy chain 10; minus strand), LOC126862486 (BRD4-independent group 4 enhancer GRCh37_chr17:8416542-8417741; plus strand). Cytogenetic location: 17p13.1.
Variant type: single nucleotide variant.
Coding change: c.2679G>A on transcript NM_001256012.3 (MANE Select); coding-DNA position 2679, G replaced by A.
Protein change: p.Leu893=; no amino-acid change (leucine 893 retained).
Molecular consequence: synonymous variant.
Genome position (GRCh38, 1-based): chr17:8,513,604, C>T on the plus strand (G>A on the coding strand, the complement: MYH10 is on the minus strand). VCF-style: chr17-8513604-C-T. GRCh37 (hg19) VCF-style: chr17-8416922-C-T.
Other names: c.2613G>A, p.Leu871= (NM_001256095.2); c.2616G>A, p.Leu872= (NM_001375266.1); c.2586G>A, p.Leu862= (NM_005964.5).
Identifiers: ClinVar variation 756434 (VCV000756434.5), dbSNP rs375330015, ClinGen allele CA8377636.

ClinVar aggregate classification (germline): Benign. Review status: criteria provided, single submitter (1 of 4 stars). 2 submissions from 2 submitters: Benign (1). 1 of the submissions does not count toward it. Last evaluated 2018-07-04.

Conditions:
MYH10-related disorder. Also called: MYH10-related condition.

Allele frequency attached by ClinVar (database versions not stated): ESP Exome Variant Server 0.00008; gnomAD exomes 0.00014 and 0.00065; 1000 Genomes Project 30x 0.00016; 1000 Genomes Project 0.00020; gnomAD 0.00023 and 0.00026; TOPMed 0.00034; ExAC 0.00073.
gnomAD v4.1: 256 of 1,614,168 alleles (0.016%); highest among the groups gnomAD compares: East Asian, 0.49%; 1 homozygote.

Submissions (2):

Labcorp Genetics (formerly Invitae), Labcorp
Classification: Benign. Last evaluated: 2018-07-04. Review status: criteria provided, single submitter. Criteria: Invitae Variant Classification Sherloc (09022015). Collection method: clinical testing. Allele origin: germline.

PreventionGenetics, part of Exact Sciences
Classification: Likely benign for MYH10-related condition. Last evaluated: 2019-02-22. Review status: no assertion criteria provided. Collection method: clinical testing. Allele origin: germline. Not counted in ClinVar's aggregate classification.
Comment: This variant is classified as likely benign based on ACMG/AMP sequence variant interpretation guidelines (Richards et al. 2015 PMID: 25741868, with internal and published modifications).